The following is an entry in ClinVar:

ClinVar aggregate classification (germline): Pathogenic/Likely pathogenic. Review status: criteria provided, multiple submitters, no conflicts (2 of 4 stars). 4 submissions from 4 submitters: Pathogenic (3); Likely pathogenic (1). Last evaluated 2025-12-03.

Conditions:
Familial hemophagocytic lymphohistiocytosis 2 (FHL2). Also called: PRF1-Related Familial Hemophagocytic Lymphohistiocytosis (PRF1-fHLH). Identifiers: Orphanet 540, MedGen C1863727, MONDO:0011337, OMIM 603553.
Familial hemophagocytic lymphohistiocytosis (FHL). Also called: Hereditary hemophagocytic lymphohistiocytosis; Familial erythrophagocytic lymphohistiocytosis; Familial histiocytic reticulosis. Identifiers: Orphanet 158038, Orphanet 540, MedGen C0272199, MONDO:0015541.
Aplastic anemia. Identifiers: Orphanet 182040, Orphanet 88, MedGen C0002874, MONDO:0015909, OMIM 609135, HP:0001915.

gnomAD v4.1: 31 of 1,613,394 alleles (0.0019%); highest among the groups gnomAD compares: Non-Finnish European, 0.0025%; no homozygotes.

Submissions (4):

Labcorp Genetics (formerly Invitae), Labcorp
Classification: Pathogenic for Familial hemophagocytic lymphohistiocytosis 2. Last evaluated: 2025-12-03. Review status: criteria provided, single submitter. Criteria: Invitae Variant Classification Sherloc (09022015). Collection method: clinical testing. Allele origin: germline.
Comment: This sequence change replaces arginine, which is basic and polar, with proline, which is neutral and non-polar, at codon 410 of the PRF1 protein (p.Arg410Pro). The frequency data for this variant in the population databases is considered unreliable, as metrics indicate poor data quality at this position in the gnomAD database. This missense change has been observed in individual(s) with hemophagocytic lymphohistiocytosis (PMID: 14576041, 29239076). In at least one individual the data is consistent with being in trans (on the opposite chromosome) from a pathogenic variant. ClinVar contains an entry for this variant (Variation ID: 2136869). Invitae Evidence Modeling of protein sequence and biophysical properties (such as structural, functional, and spatial information, amino acid conservation, physicochemical variation, residue mobility, and thermodynamic stability) indicates that this missense variant is expected to disrupt PRF1 protein function with a positive predictive value of 95%. Experimental studies have shown that this missense change affects PRF1 function (PMID: 19487666). This variant disrupts the p.Arg410 amino acid residue in PRF1. Other variant(s) that disrupt this residue have been determined to be pathogenic (PMID: 17266056, 29357941). This suggests that this residue is clinically significant, and that variants that disrupt this residue are likely to be disease-causing. For these reasons, this variant has been classified as Pathogenic.

Women's Health and Genetics/Laboratory Corporation of America, LabCorp
Classification: Pathogenic for Familial hemophagocytic lymphohistiocytosis. Last evaluated: 2024-05-02. Review status: criteria provided, single submitter. Criteria: LabCorp Variant Classification Summary - May 2015. Collection method: clinical testing. Allele origin: germline.
Comment: Variant summary: PRF1 c.1229G>C (p.Arg410Pro) results in a non-conservative amino acid change located in the C2 domain (IPR000008) of the encoded protein sequence. Four of five in-silico tools predict a damaging effect of the variant on protein function. The variant was absent in 248580 control chromosomes. c.1229G>C has been reported in the literature in one individual affected with Chronic active Epstein-Barr virus infection, T-cell lymphoproliferative disease, and hemophagocytic Lymphohistiocytosis (Katano_2004) and in another individual with late-onset primary isolated central nervous system hemophagocytic Lymphohistiocytosis (Khazal_2018). These data indicate that the variant may be associated with disease. A different variant affecting the same codon has been classified as pathogenic by our lab (c.1228C>T, p.Arg410Trp), supporting the critical relevance of codon 410 to PRF1 protein function. At least one publication reports experimental evidence evaluating an impact on protein function, the most pronounced variant effect results in <10% of normal cytotoxicity in PRF1-KO mouse cytotoxic T lymphocytes (Chia_2009, Katano_2004). The following publications have been ascertained in the context of this evaluation (PMID: 14576041, 29239076, 19487666). ClinVar contains an entry for this variant (Variation ID: 2136869). Based on the evidence outlined above, the variant was classified as Pathogenic.

Genomic Medicine Center of Excellence, King Faisal Specialist Hospital and Research Centre
Classification: Pathogenic for Familial hemophagocytic lymphohistiocytosis 2. Last evaluated: 2024-03-26. Review status: criteria provided, single submitter. Criteria: ACMG Guidelines, 2015. Collection method: clinical testing. Allele origin: germline.

Baylor Genetics
Classification: Likely pathogenic for Aplastic anemia. Last evaluated: 2023-11-21. Review status: criteria provided, single submitter. Criteria: ACMG Guidelines, 2015. Collection method: clinical testing. Allele origin: unknown.

Literature cited by the submitters: PubMed 14576041 (cited by Labcorp Genetics (formerly Invitae), Labcorp and Women's Health and Genetics/Laboratory Corporation of America, LabCorp); PubMed 29239076 (cited by Labcorp Genetics (formerly Invitae), Labcorp and Women's Health and Genetics/Laboratory Corporation of America, LabCorp); PubMed 19487666 (cited by Labcorp Genetics (formerly Invitae), Labcorp and Women's Health and Genetics/Laboratory Corporation of America, LabCorp); PubMed 17266056 (cited by Labcorp Genetics (formerly Invitae), Labcorp); PubMed 29357941 (cited by Labcorp Genetics (formerly Invitae), Labcorp).

NM_001083116.3(PRF1):c.1229G>C (p.Arg410Pro)

Gene: PRF1 (perforin 1; minus strand). Cytogenetic location: 10q22.1.
Variant type: single nucleotide variant.
Coding change: c.1229G>C on transcript NM_001083116.3 (MANE Select); coding-DNA position 1229, G replaced by C.
Protein change: p.Arg410Pro; replaces arginine 410 with proline.
Molecular consequence: missense variant.
Genome position (GRCh38, 1-based): chr10:70,598,492, C>G on the plus strand (G>C on the coding strand, the complement: PRF1 is on the minus strand). VCF-style: chr10-70598492-C-G. GRCh37 (hg19) VCF-style: chr10-72358248-C-G.
Other names: c.1229G>C, p.Arg410Pro (NM_005041.6); short protein forms R410P.
Identifiers: ClinVar variation 2136869 (VCV002136869.8), dbSNP rs150558419, ClinGen allele CA209366849.